The following is an entry in ClinVar:

NM_005235.3(ERBB4):c.1668C>A (p.Asp556Glu)

Gene: ERBB4 (erb-b2 receptor tyrosine kinase 4; minus strand). Cytogenetic location: 2q34.
Variant type: single nucleotide variant.
Coding change: c.1668C>A on transcript NM_005235.3 (MANE Select); coding-DNA position 1668, C replaced by A.
Protein change: p.Asp556Glu; replaces aspartic acid 556 with glutamic acid.
Molecular consequence: missense variant.
Genome position (GRCh38, 1-based): chr2:211,673,212, G>T on the plus strand (C>A on the coding strand, the complement: ERBB4 is on the minus strand). VCF-style: chr2-211673212-G-T. GRCh37 (hg19) VCF-style: chr2-212537937-G-T.
Other names: c.1668C>A, p.Asp556Glu (NM_001042599.2); short protein forms D556E.
Identifiers: ClinVar variation 2184010 (VCV002184010.5), dbSNP rs376669939, ClinGen allele CA65172149.
Genomic context (GRCh38, chr2:211,673,212, plus strand): 5'-CTTCAGGCTTACCGGTCCATGGCATGTGAGGAGGCCATCTTCCATCTTCTCACACTGGGG[G>T]TCACACTCCACACAGATGGAGCCATTCTCAAACTCCCGAAATTCACTGTGAAAACATCAG-3'
Protein context (NP_005226.1, residues 546-566): FENGSICVEC[Asp556Glu]PQCEKMEDGL

ClinVar aggregate classification (germline): Uncertain significance. Review status: criteria provided, multiple submitters, no conflicts (2 of 4 stars). 2 submissions from 2 submitters: Uncertain significance (2). Last evaluated 2025-06-07.

Conditions:
Inborn genetic diseases. Identifiers: MedGen C0950123, MeSH D030342.

Allele frequency attached by ClinVar (database versions not stated): gnomAD 0.00001; ESP Exome Variant Server 0.00008.
gnomAD v4.1: 5 of 1,613,656 alleles (0.00031%); highest among the groups gnomAD compares: African/African-American, 0.0027%; no homozygotes.

Submissions (2):

Ambry Genetics
Classification: Uncertain significance for Inborn genetic diseases. Last evaluated: 2025-06-07. Review status: criteria provided, single submitter. Criteria: Ambry Variant Classification Scheme 2023. Collection method: clinical testing. Allele origin: germline.

Labcorp Genetics (formerly Invitae), Labcorp
Classification: Uncertain significance. Last evaluated: 2021-12-25. Review status: criteria provided, single submitter. Criteria: Invitae Variant Classification Sherloc (09022015). Collection method: clinical testing. Allele origin: germline.
Comment: This variant is present in population databases (rs376669939, gnomAD 0.01%). In summary, the available evidence is currently insufficient to determine the role of this variant in disease. Therefore, it has been classified as a Variant of Uncertain Significance. Algorithms developed to predict the effect of missense changes on protein structure and function are either unavailable or do not agree on the potential impact of this missense change (SIFT: "Deleterious"; PolyPhen-2: "Benign"; Align-GVGD: "Class C35"). This variant has not been reported in the literature in individuals affected with ERBB4-related conditions. This sequence change replaces aspartic acid, which is acidic and polar, with glutamic acid, which is acidic and polar, at codon 556 of the ERBB4 protein (p.Asp556Glu).